The following is an entry in ClinVar:

NM_014956.5(CEP164):c.548T>C (p.Met183Thr)

Gene: CEP164 (centrosomal protein 164; plus strand). Cytogenetic location: 11q23.3.
Variant type: single nucleotide variant.
Coding change: c.548T>C on transcript NM_014956.5 (MANE Select); coding-DNA position 548, T replaced by C.
Protein change: p.Met183Thr; replaces methionine 183 with threonine.
Molecular consequence: missense variant.
Genome position (GRCh38, 1-based): chr11:117,361,989, T>C. VCF-style: chr11-117361989-T-C. GRCh37 (hg19) VCF-style: chr11-117232705-T-C.
Other names: c.548T>C, p.Met183Thr (NM_001271933.2); c.548T>C (NM_014956.4); short protein forms M183T.
Identifiers: ClinVar variation 1403822 (VCV001403822.6), dbSNP rs144206271, ClinGen allele CA6294512.

ClinVar aggregate classification (germline): Conflicting classifications of pathogenicity. Review status: criteria provided, conflicting classifications (1 of 4 stars). 3 submissions from 3 submitters: Uncertain significance (2); Likely benign (1). Last evaluated 2024-03-07.

Conditions:
Nephronophthisis 15 (NPHP15). Identifiers: Orphanet 3156, MedGen C3541853, MONDO:0013917, OMIM 614845.
Inborn genetic diseases. Identifiers: MedGen C0950123, MeSH D030342.

Submissions (3):

Fulgent Genetics
Classification: Uncertain significance for Nephronophthisis 15. Last evaluated: 2024-03-07. Review status: criteria provided, single submitter. Criteria: ACMG Guidelines, 2015. Collection method: clinical testing. Allele origin: germline.

Labcorp Genetics (formerly Invitae), Labcorp
Classification: Uncertain significance for Nephronophthisis 15. Last evaluated: 2024-01-22. Review status: criteria provided, single submitter. Criteria: Invitae Variant Classification Sherloc (09022015). Collection method: clinical testing. Allele origin: germline.
Comment: This sequence change replaces methionine, which is neutral and non-polar, with threonine, which is neutral and polar, at codon 183 of the CEP164 protein (p.Met183Thr). This variant is present in population databases (rs144206271, gnomAD 0.007%). This variant has not been reported in the literature in individuals affected with CEP164-related conditions. ClinVar contains an entry for this variant (Variation ID: 1403822). Algorithms developed to predict the effect of missense changes on protein structure and function output the following: SIFT: "Not Available"; PolyPhen-2: "Benign"; Align-GVGD: "Not Available". The threonine amino acid residue is found in multiple mammalian species, which suggests that this missense change does not adversely affect protein function. In summary, the available evidence is currently insufficient to determine the role of this variant in disease. Therefore, it has been classified as a Variant of Uncertain Significance.

Ambry Genetics
Classification: Likely benign for Inborn genetic diseases. Last evaluated: 2023-07-30. Review status: criteria provided, single submitter. Criteria: Ambry Variant Classification Scheme 2023. Collection method: clinical testing. Allele origin: germline.